The following is an entry in ClinVar:

ClinVar aggregate classification (germline): Uncertain significance (1 of 4 stars; one submission).

Submission:

GeneDx
Classification: Uncertain significance. Last evaluated: 2023-11-11. Review status: criteria provided, single submitter. Criteria: GeneDx Variant Classification Process June 2021. Collection method: clinical testing. Allele origin: germline. Affected: yes.
Comment: Not observed at significant frequency in large population cohorts (gnomAD); In silico analysis supports that this missense variant has a deleterious effect on protein structure/function; Has not been previously published as pathogenic or benign to our knowledge

NM_001260.3(CDK8):c.523G>A (p.Gly175Ser)

Gene: CDK8 (cyclin dependent kinase 8; plus strand). Cytogenetic location: 13q12.13.
Variant type: single nucleotide variant.
Coding change: c.523G>A on transcript NM_001260.3 (MANE Select); coding-DNA position 523, G replaced by A.
Protein change: p.Gly175Ser; replaces glycine 175 with serine.
Molecular consequence: missense variant.
Genome position (GRCh38, 1-based): chr13:26,385,219, G>A. VCF-style: chr13-26385219-G-A. GRCh37 (hg19) VCF-style: chr13-26959356-G-A.
Other names: c.523G>A, p.Gly175Ser (NM_001318368.2); c.4G>A, p.Gly2Ser (NM_001346501.2); short protein forms G175S, G2S.
Identifiers: ClinVar variation 3364151 (VCV003364151.1).